The following is an entry in ClinVar:

NM_005476.7(GNE):c.*630C>T

Gene: GNE (glucosamine (UDP-N-acetyl)-2-epimerase/N-acetylmannosamine kinase; minus strand). Cytogenetic location: 9p13.3.
Variant type: single nucleotide variant.
Coding change: c.*630C>T on transcript NM_005476.7 (MANE Select); 630 bases downstream of the stop codon, C replaced by T.
Molecular consequence: 3 prime UTR variant.
Genome position (GRCh38, 1-based): chr9:36,216,735, G>A on the plus strand (C>T on the coding strand, the complement: GNE is on the minus strand). VCF-style: chr9-36216735-G-A. GRCh37 (hg19) VCF-style: chr9-36216732-G-A.
Other names: c.*630C>T (NM_001128227.3, NM_001190383.3, NM_001190384.3 and 3 more transcripts).
Identifiers: ClinVar variation 366834 (VCV000366834.6), dbSNP rs150102934, ClinGen allele CA10633671.

ClinVar aggregate classification (germline): Benign (1 of 4 stars; one submission).

Conditions:
Sialuria. Also called: SIALURIA, FRENCH TYPE; Sialic Acid Storage Disease. Identifiers: Orphanet 3166, MedGen C0342853, MONDO:0010028, OMIM 269921.

Allele frequency attached by ClinVar (database versions not stated): gnomAD exomes 0.00288; gnomAD 0.03743 and 0.03992; 1000 Genomes Project 0.04073; TOPMed 0.04190; 1000 Genomes Project 30x 0.04357.
gnomAD v4.1: 5,537 of 151,794 alleles (3.6%); highest among the groups gnomAD compares: African/African-American, 13%; 329 homozygotes.

Submission:

Illumina Laboratory Services, Illumina
Classification: Benign for Sialuria. Last evaluated: 2018-01-12. Review status: criteria provided, single submitter. Criteria: ICSL Variant Classification Criteria 13 December 2019. Collection method: clinical testing. Allele origin: germline.
Comment: This variant was observed in the ICSL laboratory as part of a predisposition screen in an ostensibly healthy population. It had not been previously curated by ICSL or reported in the Human Gene Mutation Database (HGMD: prior to June 1st, 2018), and was therefore a candidate for classification through an automated scoring system. Utilizing variant allele frequency, disease prevalence and penetrance estimates, and inheritance mode, an automated score was calculated to assess if this variant is too frequent to cause the disease. Based on the score and internal cut-off values, a variant classified as benign is not then subjected to further curation. The score for this variant resulted in a classification of benign for this disease.